The following is an entry in ClinVar:

NM_024334.3(TMEM43):c.803G>T (p.Arg268Leu)

Gene: TMEM43 (transmembrane protein 43; plus strand). Cytogenetic location: 3p25.1.
Variant type: single nucleotide variant.
Coding change: c.803G>T on transcript NM_024334.3 (MANE Select); coding-DNA position 803, G replaced by T.
Protein change: p.Arg268Leu; replaces arginine 268 with leucine.
Molecular consequence: missense variant.
Genome position (GRCh38, 1-based): chr3:14,135,829, G>T. VCF-style: chr3-14135829-G-T. GRCh37 (hg19) VCF-style: chr3-14177329-G-T.
Other names: short protein forms R268L.
Identifiers: ClinVar variation 222840 (VCV000222840.18), dbSNP rs769969149, ClinGen allele CA055612.

ClinVar aggregate classification (germline): Conflicting classifications of pathogenicity. Review status: criteria provided, conflicting classifications (1 of 4 stars). 7 submissions from 7 submitters: Uncertain significance (6); Likely benign (1). Last evaluated 2026-05-28.

Conditions:
Cardiomyopathy (CMYO). Also called: Cardiomyopathies. Identifiers: Orphanet 167848, MedGen C0878544, MONDO:0004994, HP:0001638. Inheritance: Various modes of inheritance.
Cardiovascular phenotype. Identifiers: MedGen CN230736.
Arrhythmogenic right ventricular dysplasia 5. Also called: Arrhythmogenic Right Ventricular Dysplasia/Cardiomyopathy 5; ARRHYTHMOGENIC RIGHT VENTRICULAR DYSPLASIA, FAMILIAL, 5. Identifiers: MedGen C1858379, MONDO:0011459, OMIM 604400.

Allele frequency attached by ClinVar (database versions not stated): gnomAD 0.00001; TOPMed 0.00002.
gnomAD v4.1: 13 of 1,613,536 alleles (0.00081%); highest among the groups gnomAD compares: Non-Finnish European, 0.001%; no homozygotes.

Submissions (7):

Ambry Genetics
Classification: Likely benign for Cardiovascular phenotype. Last evaluated: 2026-05-28. Review status: criteria provided, single submitter. Criteria: Ambry Variant Classification Scheme 2023. Collection method: clinical testing. Allele origin: germline.

Dasa
Classification: Uncertain significance. Last evaluated: 2025-10-08. Review status: criteria provided, single submitter. Criteria: DASA Assertion Criteria. Collection method: clinical testing. Allele origin: germline.
Comment: NM_024334.3(TMEM43):c.803G>T (p.Arg268Leu) is a missense variant that results in the substitution of arginine with leucine. This variant is rare in population databases. The currently available literature and clinical evidence are not sufficient to establish a definitive association between this variant and the reported condition. Therefore, this variant is classified as a variant of uncertain significance.

Labcorp Genetics (formerly Invitae), Labcorp
Classification: Uncertain significance for Arrhythmogenic right ventricular dysplasia 5. Last evaluated: 2024-12-12. Review status: criteria provided, single submitter. Criteria: Invitae Variant Classification Sherloc (09022015). Collection method: clinical testing. Allele origin: germline.
Comment: This sequence change replaces arginine, which is basic and polar, with leucine, which is neutral and non-polar, at codon 268 of the TMEM43 protein (p.Arg268Leu). This variant is present in population databases (rs769969149, gnomAD 0.006%). This variant has not been reported in the literature in individuals affected with TMEM43-related conditions. ClinVar contains an entry for this variant (Variation ID: 222840). Invitae Evidence Modeling of protein sequence and biophysical properties (such as structural, functional, and spatial information, amino acid conservation, physicochemical variation, residue mobility, and thermodynamic stability) indicates that this missense variant is not expected to disrupt TMEM43 protein function with a negative predictive value of 80%. In summary, the available evidence is currently insufficient to determine the role of this variant in disease. Therefore, it has been classified as a Variant of Uncertain Significance.

All of Us Research Program, National Institutes of Health
Classification: Uncertain significance for Arrhythmogenic right ventricular dysplasia 5. Last evaluated: 2024-04-16. Review status: criteria provided, single submitter. Criteria: ACMG Guidelines, 2015. Collection method: clinical testing. Allele origin: germline. Inheritance: Autosomal dominant inheritance. Observed: 1 variant allele, 1 heterozygote.
Comment: This missense variant replaces arginine with leucine at codon 268 of the TMEM43 protein. Computational prediction suggests that this variant may not impact protein structure and function (internally defined REVEL score threshold <= 0.5, PMID: 27666373). Splice site prediction tools suggest that this variant may not impact RNA splicing. To our knowledge, functional studies have not been performed for this variant. This variant has not been reported in individuals affected with cardiovascular disorders in the literature. This variant has been identified in 9/281214 chromosomes in the general population by the Genome Aggregation Database (gnomAD). The available evidence is insufficient to determine the role of this variant in disease conclusively. Therefore, this variant is classified as a Variant of Uncertain Significance.

This study involves interpretation of variants in research participants for the purpose of population health screening. Participant phenotype was not available at the time of variant classification. Additional details can be found in publication PMID: 35346344, PMCID: PMC8962531

Color Diagnostics, LLC DBA Color Health
Classification: Uncertain significance for Cardiomyopathy. Last evaluated: 2024-03-14. Review status: criteria provided, single submitter. Criteria: ACMG Guidelines, 2015. Collection method: clinical testing. Allele origin: germline.
Comment: This missense variant replaces arginine with leucine at codon 268 of the TMEM43 protein. Computational prediction suggests that this variant may not impact protein structure and function (internally defined REVEL score threshold <= 0.5, PMID: 27666373). To our knowledge, functional studies have not been reported for this variant. This variant has not been reported in individuals affected with TMEM43-related disorders in the literature. This variant has been identified in 9/281214 chromosomes in the general population by the Genome Aggregation Database (gnomAD). The available evidence is insufficient to determine the role of this variant in disease conclusively. Therefore, this variant is classified as a Variant of Uncertain Significance.

Blueprint Genetics
Classification: Uncertain significance. Last evaluated: 2023-04-21. Review status: criteria provided, single submitter. Criteria: ACMG Guidelines, 2015. Collection method: clinical testing. Allele origin: germline.

GeneDx
Classification: Uncertain significance. Last evaluated: 2022-03-11. Review status: criteria provided, single submitter. Criteria: GeneDx Variant Classification Process June 2021. Collection method: clinical testing. Allele origin: germline. Affected: yes.
Comment: In silico analysis supports that this missense variant has a deleterious effect on protein structure/function; Has not been previously published as pathogenic or benign to our knowledge